The following is an entry in ClinVar:

NM_022168.4(IFIH1):c.2939C>T (p.Pro980Leu)

Gene: IFIH1 (interferon induced with helicase C domain 1; minus strand). Cytogenetic location: 2q24.2.
Variant type: single nucleotide variant.
Coding change: c.2939C>T on transcript NM_022168.4 (MANE Select); coding-DNA position 2939, C replaced by T.
Protein change: p.Pro980Leu; replaces proline 980 with leucine.
Molecular consequence: missense variant.
Genome position (GRCh38, 1-based): chr2:162,267,339, G>A on the plus strand (C>T on the coding strand, the complement: IFIH1 is on the minus strand). VCF-style: chr2-162267339-G-A. GRCh37 (hg19) VCF-style: chr2-163123849-G-A.
Other names: short protein forms P980L.
Identifiers: ClinVar variation 3750101 (VCV003750101.2).

ClinVar aggregate classification (germline): Uncertain significance (1 of 4 stars; one submission).

Conditions:
Aicardi-Goutieres syndrome 7 (AGS7). Identifiers: Orphanet 51, MedGen C3888244, MONDO:0014367, OMIM 615846.
Singleton-Merten syndrome 1 (SGMRT1). Also called: Widened medullary cavities of bone, aortic calcification, abnormal dentition, and muscular weakness; Syndrome of widened medullary cavities of the metacarpals and phalanges, aortic calcification and abnormal dentition. Identifiers: Orphanet 85191, MedGen C4225427, MONDO:0024535, OMIM 182250.

gnomAD v4.1: 2 of 1,613,070 alleles (0.00012%); highest among the groups gnomAD compares: Non-Finnish European, 0.00017%; no homozygotes.

Submission:

Labcorp Genetics (formerly Invitae), Labcorp
Classification: Uncertain significance for Aicardi-Goutieres syndrome 7; Singleton-Merten syndrome 1. Last evaluated: 2024-07-06. Review status: criteria provided, single submitter. Criteria: Invitae Variant Classification Sherloc (09022015). Collection method: clinical testing. Allele origin: germline.
Comment: This sequence change replaces proline, which is neutral and non-polar, with leucine, which is neutral and non-polar, at codon 980 of the IFIH1 protein (p.Pro980Leu). This variant is not present in population databases (gnomAD no frequency). This variant has not been reported in the literature in individuals affected with IFIH1-related conditions. Advanced modeling of protein sequence and biophysical properties (such as structural, functional, and spatial information, amino acid conservation, physicochemical variation, residue mobility, and thermodynamic stability) has been performed at Invitae for this missense variant, however the output from this modeling did not meet the statistical confidence thresholds required to predict the impact of this variant on IFIH1 protein function. In summary, the available evidence is currently insufficient to determine the role of this variant in disease. Therefore, it has been classified as a Variant of Uncertain Significance.